The following is an entry in ClinVar:

ClinVar aggregate classification (germline): Pathogenic (1 of 4 stars; one submission).

Conditions:
Familial adenomatous polyposis 1 (FAP1). Also called: FAMILIAL ADENOMATOUS POLYPOSIS 1, ATTENUATED; POLYPOSIS, ADENOMATOUS INTESTINAL. Identifiers: MedGen C2713442, MONDO:0021056, OMIM 175100. Disease mechanism: loss of function.

Submission:

Myriad Genetics, Inc.
Classification: Pathogenic for Familial adenomatous polyposis 1. Last evaluated: 2023-04-27. Review status: criteria provided, single submitter. Criteria: Myriad Autosomal Dominant, Autosomal Recessive and X-Linked Classification Criteria (2023). Collection method: clinical testing. Allele origin: unknown.
Comment: This variant is considered pathogenic. This variant creates a frameshift predicted to result in premature protein truncation.

NM_000038.6(APC):c.674_689del (p.Glu225fs)

Gene: APC (APC regulator of Wnt signaling pathway; plus strand). Cytogenetic location: 5q22.2.
Variant type: Deletion.
Coding change: c.674_689del on transcript NM_000038.6 (MANE Select); coding-DNA positions 674 to 689, 16 bases deleted (AAAAGGACATACTTCG).
Protein change: p.Glu225fs; shifts the reading frame from glutamic acid 225.
Molecular consequence: frameshift variant. On other transcripts: 5 prime UTR variant (4), non-coding transcript variant (2), intron variant (5).
Genome position (GRCh38, 1-based): chr5:112,792,474-112,792,489, AAAAGGACATACTTCG deleted; deleting any 16 consecutive bases within chr5:112,792,471-112,792,489 gives the same sequence; the c. name uses the placement nearest the transcript's 3' end. VCF-style (leftmost placement, unchanged base first): chr5-112792470-ATCGAAAAGGACATACT-A. GRCh37 (hg19) VCF-style: chr5-112128167-ATCGAAAAGGACATACT-A.
Other names: c.674_689del, p.Glu225fs (NM_001127510.3, NM_001354895.2, NM_001354896.2 and 12 more transcripts); c.704_719del, p.Glu235fs (NM_001354897.2, NM_001354902.2, NM_001407446.1); c.599_614del, p.Glu200fs (NM_001354898.2, NM_001354904.2, NM_001407451.1); c.497_512del, p.Glu166fs (NM_001354900.2, NM_001354901.2, NM_001354905.2 and 1 more transcripts); c.-362_-347del (NM_001354906.2, NM_001407470.1, NM_001407471.1 and 1 more transcripts); c.646-8805_646-8790del (NM_001407452.1, NM_001407469.1, NM_001354899.2 and 1 more transcripts); c.676-8805_676-8790del (NM_001127511.3); short protein forms E166fs, E200fs, E225fs, E235fs.
Identifiers: ClinVar variation 2584187 (VCV002584187.2), dbSNP rs2532632173, ClinGen allele CA2582341368.